The following is an entry in ClinVar:

NM_001277115.2(DNAH11):c.3842C>G (p.Ala1281Gly)

Gene: DNAH11 (dynein axonemal heavy chain 11; plus strand). Cytogenetic location: 7p15.3.
Variant type: single nucleotide variant.
Coding change: c.3842C>G on transcript NM_001277115.2 (MANE Select); coding-DNA position 3842, C replaced by G.
Protein change: p.Ala1281Gly; replaces alanine 1281 with glycine.
Molecular consequence: missense variant.
Genome position (GRCh38, 1-based): chr7:21,606,723, C>G. VCF-style: chr7-21606723-C-G. GRCh37 (hg19) VCF-style: chr7-21646341-C-G.
Other names: short protein forms A1281G.
Identifiers: ClinVar variation 1043384 (VCV001043384.9), dbSNP rs770365463, ClinGen allele CA366948772.
Genomic context (GRCh38, chr7:21,606,723, plus strand): 5'-TCAGAGAGAGATTCAGACACTATGCCCCTCTTGGATTTAATGCAGAAAATCCATACACAG[C>G]GCTTGATAAGGTAATACAGATCTCAAATATCCTGTGTGCATTAAAATAGCTACTTTAAAA-3'
Protein context (NP_001264044.1, residues 1271-1291): LGFNAENPYT[Ala1281Gly]LDKANEELEA

ClinVar aggregate classification (germline): Uncertain significance (1 of 4 stars; one submission).

Conditions:
Primary ciliary dyskinesia. Also called: Ciliary dyskinesia. Identifiers: Orphanet 244, MedGen C0008780, MONDO:0016575, HP:0012265.

gnomAD v4.1: 15 of 1,607,878 alleles (0.00093%); highest among the groups gnomAD compares: Non-Finnish European, 0.0013%; no homozygotes.

Submission:

Labcorp Genetics (formerly Invitae), Labcorp
Classification: Uncertain significance for Primary ciliary dyskinesia. Last evaluated: 2020-05-22. Review status: criteria provided, single submitter. Criteria: Invitae Variant Classification Sherloc (09022015). Collection method: clinical testing. Allele origin: germline.
Comment: Algorithms developed to predict the effect of missense changes on protein structure and function are either unavailable or do not agree on the potential impact of this missense change (SIFT: "Deleterious"; PolyPhen-2: "Benign"; Align-GVGD: "Class C0"). This variant has not been reported in the literature in individuals with DNAH11-related conditions. This variant is not present in population databases (ExAC no frequency). This sequence change replaces alanine with glycine at codon 1281 of the DNAH11 protein (p.Ala1281Gly). The alanine residue is weakly conserved and there is a small physicochemical difference between alanine and glycine. In summary, the available evidence is currently insufficient to determine the role of this variant in disease. Therefore, it has been classified as a Variant of Uncertain Significance.